The following is an entry in ClinVar:

NM_000051.4(ATM):c.3832G>C (p.Asp1278His)

Gene: ATM (ATM serine/threonine kinase; plus strand). Cytogenetic location: 11q22.3.
Variant type: single nucleotide variant.
Coding change: c.3832G>C on transcript NM_000051.4 (MANE Select); coding-DNA position 3832, G replaced by C.
Protein change: p.Asp1278His; replaces aspartic acid 1278 with histidine.
Molecular consequence: missense variant.
Genome position (GRCh38, 1-based): chr11:108,284,312, G>C. VCF-style: chr11-108284312-G-C. GRCh37 (hg19) VCF-style: chr11-108155039-G-C.
Other names: c.3832G>C, p.Asp1278His (NM_001351834.2); short protein forms D1278H.
Identifiers: ClinVar variation 1382336 (VCV001382336.10), dbSNP rs730881365, ClinGen allele CA382524974.

ClinVar aggregate classification (germline): Uncertain significance. Review status: criteria provided, multiple submitters, no conflicts (2 of 4 stars). 3 submissions from 3 submitters: Uncertain significance (3). Last evaluated 2022-06-06.

Conditions:
Ataxia-telangiectasia syndrome (AT). Also called: Cerebello-oculocutaneous telangiectasia; Immunodeficiency with ataxia telangiectasia; LOUIS-BAR SYNDROME; ATAXIA-TELANGIECTASIA, COMPLEMENTATION GROUP A; ATAXIA-TELANGIECTASIA, FRESNO VARIANT; Ataxia-telangiectasia, complementation group D. Identifiers: Orphanet 100, MedGen C0004135, MONDO:0008840, OMIM 208900.
Hereditary cancer-predisposing syndrome. Also called: Tumor predisposition; Hereditary neoplastic syndrome; Neoplastic Syndromes, Hereditary; Hereditary Cancer Syndrome. Identifiers: Orphanet 140162, MedGen C0027672, MeSH D009386, MONDO:0015356.

Submissions (3):

Women's Health and Genetics/Laboratory Corporation of America, LabCorp
Classification: Uncertain significance. Last evaluated: 2022-06-06. Review status: criteria provided, single submitter. Criteria: LabCorp Variant Classification Summary - May 2015. Collection method: clinical testing. Allele origin: germline.
Comment: Variant summary: ATM c.3832G>C (p.Asp1278His) results in a non-conservative amino acid change in the encoded protein sequence. Four of five in-silico tools predict a damaging effect of the variant on protein function. The variant was absent in 251292 control chromosomes (gnomAD). The available data on variant occurrences in the general population are insufficient to allow any conclusion about variant significance. To our knowledge, no occurrence of c.3832G>C in individuals affected with Prostate Cancer and no experimental evidence demonstrating its impact on protein function have been reported. One clinical diagnostic laboratory has submitted clinical-significance assessments for this variant to ClinVar after 2014 without evidence for independent evaluation, and classified the variant as uncertain significance. Based on the evidence outlined above, the variant was classified as uncertain significance.

Labcorp Genetics (formerly Invitae), Labcorp
Classification: Uncertain significance for Ataxia-telangiectasia syndrome. Last evaluated: 2021-03-26. Review status: criteria provided, single submitter. Criteria: Invitae Variant Classification Sherloc (09022015). Collection method: clinical testing. Allele origin: germline.
Comment: This sequence change replaces aspartic acid with histidine at codon 1278 of the ATM protein (p.Asp1278His). The aspartic acid residue is highly conserved and there is a moderate physicochemical difference between aspartic acid and histidine. This variant is not present in population databases (ExAC no frequency). This variant has not been reported in the literature in individuals with ATM-related conditions. Advanced modeling of protein sequence and biophysical properties (such as structural, functional, and spatial information, amino acid conservation, physicochemical variation, residue mobility, and thermodynamic stability) performed at Invitae indicates that this missense variant is not expected to disrupt ATM protein function. In summary, the available evidence is currently insufficient to determine the role of this variant in disease. Therefore, it has been classified as a Variant of Uncertain Significance.

Ambry Genetics
Classification: Uncertain significance for Hereditary cancer-predisposing syndrome. Last evaluated: 2020-12-21. Review status: criteria provided, single submitter. Criteria: Ambry Variant Classification Scheme 2023. Collection method: clinical testing. Allele origin: germline.
Comment: The p.D1278H variant (also known as c.3832G>C), located in coding exon 25 of the ATM gene, results from a G to C substitution at nucleotide position 3832. The aspartic acid at codon 1278 is replaced by histidine, an amino acid with similar properties. This amino acid position is not well conserved in available vertebrate species. In addition, the in silico prediction for this alteration is inconclusive. Since supporting evidence is limited at this time, the clinical significance of this alteration remains unclear.